The following is an entry in ClinVar:

ClinVar aggregate classification (germline): Benign/Likely benign. Review status: criteria provided, multiple submitters, no conflicts (2 of 4 stars). 2 submissions from 2 submitters: Benign (1); Likely benign (1). Last evaluated 2023-12-01.

Allele frequency attached by ClinVar (database versions not stated): gnomAD exomes 0.00034; ExAC 0.00046; ESP Exome Variant Server 0.00115; 1000 Genomes Project 0.00120; 1000 Genomes Project 30x 0.00141; gnomAD 0.00149 and 0.00160; TOPMed 0.00171.

Submissions (2):

CeGaT Center for Human Genetics Tuebingen
Classification: Likely benign. Last evaluated: 2023-12-01. Review status: criteria provided, single submitter. Criteria: CeGaT Center For Human Genetics Tuebingen Variant Classification Criteria Version 2. Collection method: clinical testing. Allele origin: germline. Affected: yes. Observed: 1 variant allele.
Comment: FRY: BP4, BP7

Labcorp Genetics (formerly Invitae), Labcorp
Classification: Benign. Last evaluated: 2018-06-16. Review status: criteria provided, single submitter. Criteria: Invitae Variant Classification Sherloc (09022015). Collection method: clinical testing. Allele origin: germline.

NM_023037.3(FRY):c.78C>T (p.Pro26=)

Gene: FRY (FRY microtubule binding protein; plus strand). Cytogenetic location: 13q13.1.
Variant type: single nucleotide variant.
Coding change: c.78C>T on transcript NM_023037.3 (MANE Select); coding-DNA position 78, C replaced by T.
Protein change: p.Pro26=; no amino-acid change (proline 26 retained).
Molecular consequence: synonymous variant.
Genome position (GRCh38, 1-based): chr13:32,078,841, C>T. VCF-style: chr13-32078841-C-T. GRCh37 (hg19) VCF-style: chr13-32652978-C-T.
Identifiers: ClinVar variation 720490 (VCV000720490.25), dbSNP rs184309723, ClinGen allele CA6937717.